The following is an entry in ClinVar:

NM_005188.4(CBL):c.1540T>A (p.Ser514Thr)

Gene: CBL (Cbl proto-oncogene; plus strand). Cytogenetic location: 11q23.3.
Variant type: single nucleotide variant.
Coding change: c.1540T>A on transcript NM_005188.4 (MANE Select); coding-DNA position 1540, T replaced by A.
Protein change: p.Ser514Thr; replaces serine 514 with threonine.
Molecular consequence: missense variant.
Genome position (GRCh38, 1-based): chr11:119,285,077, T>A. VCF-style: chr11-119285077-T-A. GRCh37 (hg19) VCF-style: chr11-119155787-T-A.
Other names: c.1540T>A (NM_005188.2); short protein forms S514T.
Identifiers: ClinVar variation 3902159 (VCV003902159.2).

ClinVar aggregate classification (germline): Uncertain significance. Review status: criteria provided, multiple submitters, no conflicts (2 of 4 stars). 2 submissions from 2 submitters: Uncertain significance (2). Last evaluated 2026-05-24.

Conditions:
Cardiovascular phenotype. Identifiers: MedGen CN230736.

Submissions (2):

Ambry Genetics
Classification: Uncertain significance for Cardiovascular phenotype. Last evaluated: 2026-05-24. Review status: criteria provided, single submitter. Criteria: Ambry Variant Classification Scheme 2023. Collection method: clinical testing. Allele origin: germline.
Comment: The p.S514T variant (also known as c.1540T>A), located in coding exon 10 of the CBL gene, results from a T to A substitution at nucleotide position 1540. The serine at codon 514 is replaced by threonine, an amino acid with similar properties. This amino acid position is conserved. In addition, the in silico prediction for this alteration is inconclusive. Based on the available evidence, the clinical significance of this variant remains unclear.

Women's Health and Genetics/Laboratory Corporation of America, LabCorp
Classification: Uncertain significance. Last evaluated: 2025-05-18. Review status: criteria provided, single submitter. Criteria: LabCorp Variant Classification Summary - May 2015. Collection method: clinical testing. Allele origin: germline.